The following is an entry in ClinVar:

ClinVar aggregate classification (germline): Uncertain significance (1 of 4 stars; one submission).

Submission:

Labcorp Genetics (formerly Invitae), Labcorp
Classification: Uncertain significance. Last evaluated: 2022-11-08. Review status: criteria provided, single submitter. Criteria: Invitae Variant Classification Sherloc (09022015). Collection method: clinical testing. Allele origin: germline.
Comment: In summary, the available evidence is currently insufficient to determine the role of this variant in disease. Therefore, it has been classified as a Variant of Uncertain Significance. Algorithms developed to predict the effect of missense changes on protein structure and function are either unavailable or do not agree on the potential impact of this missense change (SIFT: "Deleterious"; PolyPhen-2: "Not Available"; Align-GVGD: "Class C0"). This variant has not been reported in the literature in individuals affected with CYFIP2-related conditions. This variant is not present in population databases (gnomAD no frequency). This sequence change replaces methionine, which is neutral and non-polar, with valine, which is neutral and non-polar, at codon 126 of the CYFIP2 protein (p.Met126Val).

NM_001037333.3(CYFIP2):c.376A>G (p.Met126Val)

Gene: CYFIP2 (cytoplasmic FMR1 interacting protein 2; plus strand). Cytogenetic location: 5q33.3.
Variant type: single nucleotide variant.
Coding change: c.376A>G on transcript NM_001037333.3 (MANE Select); coding-DNA position 376, A replaced by G.
Protein change: p.Met126Val; replaces methionine 126 with valine.
Molecular consequence: missense variant.
Genome position (GRCh38, 1-based): chr5:157,296,763, A>G. VCF-style: chr5-157296763-A-G. GRCh37 (hg19) VCF-style: chr5-156723771-A-G.
Other names: c.298A>G, p.Met100Val (NM_001291721.2); c.376A>G, p.Met126Val (NM_001291722.2, NM_014376.4); short protein forms M100V, M126V.
Identifiers: ClinVar variation 2792166 (VCV002792166.3), dbSNP rs2532288583, ClinGen allele CA361966058.
Genomic context (GRCh38, chr5:157,296,763, plus strand): 5'-GAGATCTATGAGAAGACAGTAGAGGTGCTGGAGCCGGAGGTCACCAAGCTCATGAAGTTC[A>G]TGTATTTTCAGGTGAGTGGGGAGGGGCAGGTCTGCATCTGGAGAACTGAAAAGGCCCCTA-3'
Protein context (NP_001032410.1, residues 116-136): EPEVTKLMKF[Met126Val]YFQRKAIERF